The following is an entry in ClinVar:

NM_194454.3(KRIT1):c.2049T>G (p.Tyr683Ter)

Gene: KRIT1 (KRIT1 ankyrin repeat containing; minus strand). Cytogenetic location: 7q21.2.
Variant type: single nucleotide variant.
Coding change: c.2049T>G on transcript NM_194454.3 (MANE Select); coding-DNA position 2049, T replaced by G.
Protein change: p.Tyr683Ter; replaces tyrosine 683 with a stop codon.
Molecular consequence: nonsense.
Genome position (GRCh38, 1-based): chr7:92,201,400, A>C on the plus strand (T>G on the coding strand, the complement: KRIT1 is on the minus strand). VCF-style: chr7-92201400-A-C. GRCh37 (hg19) VCF-style: chr7-91830714-A-C.
Other names: c.1905T>G, p.Tyr635Ter (NM_001013406.2, NM_001350669.1, NM_001350670.1); c.1335T>G, p.Tyr445Ter (NM_001350671.1); c.2049T>G, p.Tyr683Ter (NM_001350672.1, NM_001350673.1, NM_001350674.1 and 26 more transcripts); short protein forms Y445*, Y635*, Y683*.
Identifiers: ClinVar variation 1074639 (VCV001074639.7), dbSNP rs2131089190, ClinGen allele CA368166927.
Genomic context (GRCh38, chr7:92,201,400, plus strand): 5'-TTCCATGCTATGGATCTGAAAACAAGTATCAGTATCTCCCAATTGCCACATAAAACAACC[A>C]TACTTAAGACTGATGAGTAAAGCCTGCAACATAATTGGAAACAACTATATTGAAATACAT-3'

ClinVar aggregate classification (germline): Pathogenic (1 of 4 stars; one submission).

Conditions:
Cerebral cavernous malformation (CCM). Also called: Cerebral cavernous malformations; Cerebral cavernous hemangioma (type); CAVERNOUS ANGIOMA, FAMILIAL; CAVERNOUS ANGIOMATOUS MALFORMATIONS; CEREBRAL CAPILLARY MALFORMATIONS; Cavernous Hemangioma of Brain. Identifiers: Orphanet 221061, MedGen C2919945, MONDO:0000820, OMIM 116860, HP:0033522.

Submission:

Labcorp Genetics (formerly Invitae), Labcorp
Classification: Pathogenic for Cerebral cavernous malformation. Last evaluated: 2020-10-06. Review status: criteria provided, single submitter. Criteria: Invitae Variant Classification Sherloc (09022015). Collection method: clinical testing. Allele origin: germline.
Comment: This sequence change creates a premature translational stop signal (p.Tyr683*) in the KRIT1 gene. It is expected to result in an absent or disrupted protein product. This variant is not present in population databases (ExAC no frequency). This variant has not been reported in the literature in individuals with KRIT1-related conditions. Loss-of-function variants in KRIT1 are known to be pathogenic (PMID: 10508515, 11222804, 12404106, 24689081). For these reasons, this variant has been classified as Pathogenic.

Literature cited by the submitters: PubMed 10508515; PubMed 11222804; PubMed 12404106; PubMed 24689081.